The following is an entry in ClinVar:

NM_001079872.2(CUL4B):c.1309G>A (p.Ala437Thr)

Gene: CUL4B (cullin 4B; minus strand). Cytogenetic location: Xq24.
Variant type: single nucleotide variant.
Coding change: c.1309G>A on transcript NM_001079872.2 (MANE Select); coding-DNA position 1309, G replaced by A.
Protein change: p.Ala437Thr; replaces alanine 437 with threonine.
Molecular consequence: missense variant.
Genome position (GRCh38, 1-based): chrX:120,542,981, C>T on the plus strand (G>A on the coding strand, the complement: CUL4B is on the minus strand). VCF-style: chrX-120542981-C-T. GRCh37 (hg19) VCF-style: chrX-119676836-C-T.
Other names: c.1324G>A, p.Ala442Thr (NM_001330624.2); c.775G>A, p.Ala259Thr (NM_001369145.1); c.1363G>A, p.Ala455Thr (NM_003588.4); short protein forms A455T, A437T, A259T, A442T.
Identifiers: ClinVar variation 434874 (VCV000434874.17), dbSNP rs757649304, ClinGen allele CA10505554.

ClinVar aggregate classification (germline): Conflicting classifications of pathogenicity. Review status: criteria provided, conflicting classifications (1 of 4 stars). 5 submissions from 5 submitters: Uncertain significance (4); Likely benign (1). Last evaluated 2026-03-10.

Conditions:
X-linked intellectual disability Cabezas type (MRXSC). Also called: MENTAL RETARDATION, X-LINKED, SYNDROMIC 15; CABEZAS SYNDROME; Intellectual developmental disorder, X-linked syndromic, Cabezas type. Identifiers: Orphanet 85289, Orphanet 85293, MedGen C1845861, MONDO:0010306, OMIM 300354.
CUL4B-related disorder. Also called: CUL4B-related condition.
Inborn genetic diseases. Identifiers: MedGen C0950123, MeSH D030342.

Allele frequency attached by ClinVar (database versions not stated): gnomAD exomes 0.00002 and below 0.00001; ExAC 0.00003.
gnomAD v4.1: 4 of 1,196,626 alleles (0.00033%); highest among the groups gnomAD compares: Admixed American, 0.0044%; no homozygotes.

Submissions (5):

PreventionGenetics, part of Exact Sciences
Classification: Uncertain significance for CUL4B-related condition. Last evaluated: 2026-03-10. Review status: criteria provided, single submitter. Criteria: ACMG Guidelines, 2015. Collection method: clinical testing. Allele origin: germline.
Comment: The CUL4B c.1363G>A variant is predicted to result in the amino acid substitution p.Ala455Thr. To our knowledge, this variant has not been reported in the literature. This variant is reported in 0.0074% of alleles in individuals of Latino descent in gnomAD, including one hemizygote. At this time, the clinical significance of this variant is uncertain due to the absence of conclusive functional and genetic evidence.

Labcorp Genetics (formerly Invitae), Labcorp
Classification: Likely benign for X-linked intellectual disability Cabezas type. Last evaluated: 2025-08-22. Review status: criteria provided, single submitter. Criteria: Invitae Variant Classification Sherloc (09022015). Collection method: clinical testing. Allele origin: germline.

Fulgent Genetics
Classification: Uncertain significance for X-linked intellectual disability Cabezas type. Last evaluated: 2021-10-07. Review status: criteria provided, single submitter. Criteria: ACMG Guidelines, 2015. Collection method: clinical testing. Allele origin: unknown.

Ambry Genetics
Classification: Uncertain significance for Inborn genetic diseases. Last evaluated: 2017-12-28. Review status: criteria provided, single submitter. Criteria: Ambry Variant Classification Scheme 2023. Collection method: clinical testing. Allele origin: germline.
Comment: The p.A455T variant (also known as c.1363G>A), located in coding exon 10 of the CUL4B gene, results from a G to A substitution at nucleotide position 1363. The alanine at codon 455 is replaced by threonine, an amino acid with similar properties. This amino acid position is highly conserved in available vertebrate species. In addition, the in silico prediction for this alteration is inconclusive. Since supporting evidence is limited at this time, the clinical significance of this alteration remains unclear.

Genetic Services Laboratory, University of Chicago
Classification: Uncertain significance. Last evaluated: 2016-01-15. Review status: criteria provided, single submitter. Criteria: ACMG Guidelines, 2015. Collection method: clinical testing. Allele origin: germline. Affected: no.